The following is an entry in ClinVar:

ClinVar aggregate classification (germline): Uncertain significance (1 of 4 stars; one submission).

Conditions:
Early Myoclonic Encephalopathy. Identifiers: MedGen C0270855.

Allele frequency attached by ClinVar (database versions not stated): gnomAD exomes 0.00001; gnomAD 0.00001.
gnomAD v4.1: 10 of 1,613,822 alleles (0.00062%); highest among the groups gnomAD compares: Non-Finnish European, 0.00076%; no homozygotes.

Submission:

Labcorp Genetics (formerly Invitae), Labcorp
Classification: Uncertain significance for Early Myoclonic Encephalopathy. Last evaluated: 2024-09-06. Review status: criteria provided, single submitter. Criteria: Invitae Variant Classification Sherloc (09022015). Collection method: clinical testing. Allele origin: germline.
Comment: This sequence change replaces valine, which is neutral and non-polar, with alanine, which is neutral and non-polar, at codon 1052 of the JMJD1C protein (p.Val1052Ala). This variant is not present in population databases (gnomAD no frequency). This variant has not been reported in the literature in individuals affected with JMJD1C-related conditions. Invitae Evidence Modeling of protein sequence and biophysical properties (such as structural, functional, and spatial information, amino acid conservation, physicochemical variation, residue mobility, and thermodynamic stability) indicates that this missense variant is not expected to disrupt JMJD1C protein function with a negative predictive value of 80%. In summary, the available evidence is currently insufficient to determine the role of this variant in disease. Therefore, it has been classified as a Variant of Uncertain Significance.

NM_032776.3(JMJD1C):c.3155T>C (p.Val1052Ala)

Gene: JMJD1C (jumonji domain containing 1C; minus strand). Cytogenetic location: 10q21.3.
Variant type: single nucleotide variant.
Coding change: c.3155T>C on transcript NM_032776.3 (MANE Select); coding-DNA position 3155, T replaced by C.
Protein change: p.Val1052Ala; replaces valine 1052 with alanine.
Molecular consequence: missense variant. On other transcripts: non-coding transcript variant (1).
Genome position (GRCh38, 1-based): chr10:63,208,514, A>G on the plus strand (T>C on the coding strand, the complement: JMJD1C is on the minus strand). VCF-style: chr10-63208514-A-G. GRCh37 (hg19) VCF-style: chr10-64968274-A-G.
Other names: c.2609T>C, p.Val870Ala (NM_001282948.2, NM_001318154.2); c.2291T>C, p.Val764Ala (NM_001318153.2); c.3041T>C, p.Val1014Ala (NM_001322252.2); c.2498T>C, p.Val833Ala (NM_001322254.2, NM_001322258.2); short protein forms V1014A, V764A, V833A, V1052A, V870A.
Identifiers: ClinVar variation 2778261 (VCV002778261.3), dbSNP rs1846934970, ClinGen allele CA377042719.
Genomic context (GRCh38, chr10:63,208,514, plus strand): 5'-CGTTCTACATCCATATCTTGTTTGATGATATGGCTTTTAGGACTGGAAGATGATGATGCC[A>G]CTCTGGAATAATTCTCTCTCTCACCCTCAAGTCCCTTGATTTTAGTTGTAAAGGGAGCAA-3'
Protein context (NP_116165.1, residues 1042-1062): LEGERENYSR[Val1052Ala]ASSSSSPKSH